The following is an entry in ClinVar:

NM_000112.4(SLC26A2):c.1114A>G (p.Lys372Glu)

Gene: SLC26A2 (solute carrier family 26 member 2; plus strand). Cytogenetic location: 5q32.
Variant type: single nucleotide variant.
Coding change: c.1114A>G on transcript NM_000112.4 (MANE Select); coding-DNA position 1114, A replaced by G.
Protein change: p.Lys372Glu; replaces lysine 372 with glutamic acid.
Molecular consequence: missense variant.
Genome position (GRCh38, 1-based): chr5:149,980,707, A>G. VCF-style: chr5-149980707-A-G. GRCh37 (hg19) VCF-style: chr5-149360270-A-G.
Other names: c.1114A>G (NM_000112.3); short protein forms K372E.
Identifiers: ClinVar variation 1407189 (VCV001407189.6), dbSNP rs1755081510, ClinGen allele CA361707180.

ClinVar aggregate classification (germline): Uncertain significance. Review status: criteria provided, multiple submitters, no conflicts (2 of 4 stars). 2 submissions from 2 submitters: Uncertain significance (2). Last evaluated 2025-02-26.

Conditions:
Inborn genetic diseases. Identifiers: MedGen C0950123, MeSH D030342.
Achondrogenesis, type IB (ACG1B). Also called: Achondrogenesis Type 1B. Identifiers: Orphanet 932, Orphanet 93298, MedGen C0265274, MONDO:0010966, OMIM 600972.
Atelosteogenesis type II (AO2). Also called: NEONATAL OSSEOUS DYSPLASIA I; Neonatal osseous dysplasia 1; SLC26A2-Related Atelosteogenesis. Identifiers: Orphanet 56304, MedGen C1850554, MONDO:0009727, OMIM 256050.
Diastrophic dysplasia (DTD). Also called: Diastrophic dwarfism. Identifiers: Orphanet 628, MedGen C0220726, MONDO:0009107, OMIM 222600.
Multiple epiphyseal dysplasia type 4 (EDM4). Also called: SLC26A2-Related Multiple Epiphyseal Dysplasia; Multiple Epiphyseal Dysplasia, Recessive; MULTIPLE EPIPHYSEAL DYSPLASIA WITH BILAYERED PATELLAE; MULTIPLE EPIPHYSEAL DYSPLASIA WITH CLUBFOOT; MULTIPLE EPIPHYSEAL DYSPLASIA, AUTOSOMAL RECESSIVE. Identifiers: Orphanet 93307, MedGen C1847593, MONDO:0009189, OMIM 226900.

Allele frequency attached by ClinVar (database versions not stated): gnomAD exomes below 0.00001; TOPMed below 0.00001.
gnomAD v4.1: 1 of 1,614,044 alleles (0.000062%); highest among the groups gnomAD compares: African/African-American, 0.0013%; no homozygotes.

Submissions (2):

Ambry Genetics
Classification: Uncertain significance for Inborn genetic diseases. Last evaluated: 2025-02-26. Review status: criteria provided, single submitter. Criteria: Ambry Variant Classification Scheme 2023. Collection method: clinical testing. Allele origin: germline.

Labcorp Genetics (formerly Invitae), Labcorp
Classification: Uncertain significance for Atelosteogenesis type II; Multiple epiphyseal dysplasia type 4; Achondrogenesis, type IB; Diastrophic dysplasia. Last evaluated: 2021-12-24. Review status: criteria provided, single submitter. Criteria: Invitae Variant Classification Sherloc (09022015). Collection method: clinical testing. Allele origin: germline.
Comment: This sequence change replaces lysine, which is basic and polar, with glutamic acid, which is acidic and polar, at codon 372 of the SLC26A2 protein (p.Lys372Glu). This variant is not present in population databases (gnomAD no frequency). This variant has not been reported in the literature in individuals affected with SLC26A2-related conditions. Advanced modeling of protein sequence and biophysical properties (such as structural, functional, and spatial information, amino acid conservation, physicochemical variation, residue mobility, and thermodynamic stability) performed at Invitae indicates that this missense variant is not expected to disrupt SLC26A2 protein function. In summary, the available evidence is currently insufficient to determine the role of this variant in disease. Therefore, it has been classified as a Variant of Uncertain Significance.